The following is an entry in ClinVar:

NM_000548.5(TSC2):c.3835T>C (p.Tyr1279His)

Gene: TSC2 (TSC complex subunit 2; plus strand). Cytogenetic location: 16p13.3.
Variant type: single nucleotide variant.
Coding change: c.3835T>C on transcript NM_000548.5 (MANE Select); coding-DNA position 3835, T replaced by C.
Protein change: p.Tyr1279His; replaces tyrosine 1279 with histidine.
Molecular consequence: missense variant. On other transcripts: intron variant (6).
Genome position (GRCh38, 1-based): chr16:2,082,456, T>C. VCF-style: chr16-2082456-T-C. GRCh37 (hg19) VCF-style: chr16-2132457-T-C.
Other names: c.3103T>C, p.Tyr1035His (NM_001318831.2); c.3703T>C, p.Tyr1235His (NM_001370404.1); c.3706T>C, p.Tyr1236His (NM_001370405.1, NM_021055.3); c.3814+658T>C (NM_001114382.3); c.3685+658T>C (NM_001363528.2); c.3682+658T>C (NM_001077183.3); c.3574+658T>C (NM_001318827.2); c.3538+658T>C (NM_001318829.2); and 1 more; short protein forms Y1279H, Y1035H, Y1235H, Y1236H.
Identifiers: ClinVar variation 824276 (VCV000824276.15), dbSNP rs1449727037, ClinGen allele CA394294880.

ClinVar aggregate classification (germline): Conflicting classifications of pathogenicity. Review status: criteria provided, conflicting classifications (1 of 4 stars). 4 submissions from 4 submitters: Uncertain significance (3); Benign (1). Last evaluated 2025-08-12.

Conditions:
Hereditary cancer-predisposing syndrome. Also called: Neoplastic Syndromes, Hereditary; Hereditary Cancer Syndrome; Hereditary neoplastic syndrome; Tumor predisposition. Identifiers: Orphanet 140162, MedGen C0027672, MeSH D009386, MONDO:0015356.
Tuberous sclerosis 2 (TSC2). Identifiers: Orphanet 805, MedGen C1860707, MONDO:0013199, OMIM 613254.
Tuberous sclerosis syndrome (TSC). Also called: Tuberous Sclerosis Complex; Tuberous sclerosis. Identifiers: Orphanet 805, MedGen C0041341, MONDO:0001734.

Allele frequency attached by ClinVar (database versions not stated): gnomAD exomes below 0.00001; TOPMed below 0.00001.

Submissions (4):

Labcorp Genetics (formerly Invitae), Labcorp
Classification: Benign for Tuberous sclerosis 2. Last evaluated: 2025-08-12. Review status: criteria provided, single submitter. Criteria: Invitae Variant Classification Sherloc (09022015). Collection method: clinical testing. Allele origin: germline.

Ambry Genetics
Classification: Uncertain significance for Hereditary cancer-predisposing syndrome. Last evaluated: 2024-01-05. Review status: criteria provided, single submitter. Criteria: Ambry Variant Classification Scheme 2023. Collection method: clinical testing. Allele origin: germline.
Comment: The p.Y1279H variant (also known as c.3835T>C), located in coding exon 31 of the TSC2 gene, results from a T to C substitution at nucleotide position 3835. The tyrosine at codon 1279 is replaced by histidine, an amino acid with similar properties. This amino acid position is not well conserved in available vertebrate species. In addition, the in silico prediction for this alteration is inconclusive. Since supporting evidence is limited at this time, the clinical significance of this alteration remains unclear.

All of Us Research Program, National Institutes of Health
Classification: Uncertain significance for Tuberous sclerosis syndrome. Last evaluated: 2023-12-18. Review status: criteria provided, single submitter. Criteria: ACMG Guidelines, 2015. Collection method: clinical testing. Allele origin: germline. Inheritance: Autosomal dominant inheritance. Observed: 4 variant alleles, 4 heterozygotes.
Comment: This missense variant replaces tyrosine with histidine at codon 1279 of the TSC2 protein. Computational prediction suggests that this variant may not impact protein structure and function (internally defined REVEL score threshold <= 0.5, PMID: 27666373). To our knowledge, functional studies have not been reported for this variant. This variant has not been reported in individuals affected with tuberous sclerosis complex in the literature. This variant has been identified in 1/250262 chromosomes in the general population by the Genome Aggregation Database (gnomAD). The available evidence is insufficient to determine the role of this variant in disease conclusively. Therefore, this variant is classified as a Variant of Uncertain Significance.

This study involves interpretation of variants in research participants for the purpose of population health screening. Participant phenotype was not available at the time of variant classification. Additional details can be found in publication PMID: 35346344, PMCID: PMC8962531

Genome-Nilou Lab
Classification: Uncertain significance for Tuberous sclerosis 2. Last evaluated: 2021-11-07. Review status: criteria provided, single submitter. Criteria: ACMG Guidelines, 2015. Collection method: clinical testing. Allele origin: germline. Affected: no.